The following is an entry in ClinVar:

NC_012920.1(MT-TS2):m.12237C>T

Gene: MT-TS2 (mitochondrially encoded tRNA serine 2 (AGU/C); plus strand).
Variant type: single nucleotide variant.
Genome position: chrM-12237-C-T.
Identifiers: ClinVar variation 690168 (VCV000690168.1), dbSNP rs1603223632, ClinGen allele CA913169810.

ClinVar aggregate classification (germline): Benign (1 of 4 stars; one submission).

Conditions:
MELAS syndrome (MELAS). Also called: Juvenile myopathy, encephalopathy, lactic acidosis, stroke. Identifiers: Orphanet 550, MedGen C0162671, MONDO:0010789, OMIM 540000.

Submission:

Wong Mito Lab, Molecular and Human Genetics, Baylor College of Medicine
Classification: Benign for MELAS syndrome. Last evaluated: 2019-07-12. Review status: criteria provided, single submitter. Criteria: Modified ACMG Guidelines (Unpublished). Collection method: clinical testing. Allele origin: germline.
Comment: The NC_012920.1:m.12237C>T variant in MT-TS2 gene is interpreted to be a Benign variant based on the modified ACMG guidelines (unpublished). This variant meets the following evidence codes reported in the guidelines: BS1, BS4, BP4

Literature cited by the submitters: PubMed 31965079.